The following is an entry in ClinVar:

NM_178822.5(IGSF10):c.2699C>A (p.Ala900Glu)

Gene: IGSF10 (immunoglobulin superfamily member 10; minus strand). Cytogenetic location: 3q25.1.
Variant type: single nucleotide variant.
Coding change: c.2699C>A on transcript NM_178822.5 (MANE Select); coding-DNA position 2699, C replaced by A.
Protein change: p.Ala900Glu; replaces alanine 900 with glutamic acid.
Molecular consequence: missense variant.
Genome position (GRCh38, 1-based): chr3:151,447,282, G>T on the plus strand (C>A on the coding strand, the complement: IGSF10 is on the minus strand). VCF-style: chr3-151447282-G-T. GRCh37 (hg19) VCF-style: chr3-151165070-G-T.
Other names: c.2699C>A, p.Ala900Glu (NM_001385060.1, NM_001385061.1, NM_001385062.1 and 1 more transcripts); short protein forms A900E.
Identifiers: ClinVar variation 3699583 (VCV003699583.2).

ClinVar aggregate classification (germline): Uncertain significance (1 of 4 stars; one submission).

Submission:

Labcorp Genetics (formerly Invitae), Labcorp
Classification: Uncertain significance. Last evaluated: 2024-06-08. Review status: criteria provided, single submitter. Criteria: Invitae Variant Classification Sherloc (09022015). Collection method: clinical testing. Allele origin: germline.
Comment: This sequence change replaces alanine, which is neutral and non-polar, with glutamic acid, which is acidic and polar, at codon 900 of the IGSF10 protein (p.Ala900Glu). This variant is not present in population databases (gnomAD no frequency). This variant has not been reported in the literature in individuals affected with IGSF10-related conditions. An algorithm developed to predict the effect of missense changes on protein structure and function (PolyPhen-2) suggests that this variant is likely to be tolerated. In summary, the available evidence is currently insufficient to determine the role of this variant in disease. Therefore, it has been classified as a Variant of Uncertain Significance.